The following is an entry in ClinVar:

NM_018129.4(PNPO):c.541C>T (p.Arg181Trp)

Gene: PNPO (pyridoxamine 5'-phosphate oxidase; plus strand). Cytogenetic location: 17q21.32.
Variant type: single nucleotide variant.
Coding change: c.541C>T on transcript NM_018129.4 (MANE Select); coding-DNA position 541, C replaced by T.
Protein change: p.Arg181Trp; replaces arginine 181 with tryptophan.
Molecular consequence: missense variant.
Genome position (GRCh38, 1-based): chr17:47,945,984, C>T. VCF-style: chr17-47945984-C-T. GRCh37 (hg19) VCF-style: chr17-46023350-C-T.
Other names: short protein forms R181W.
Identifiers: ClinVar variation 652581 (VCV000652581.6), dbSNP rs878944960, ClinGen allele CA291296576.

ClinVar aggregate classification (germline): Uncertain significance (1 of 4 stars; one submission).

Conditions:
Pyridoxal phosphate-responsive seizures (PNPOD). Also called: Pyridoxal 5'-Phosphate (PLP)-Dependent Epilepsy; Pyridoxamine 5-Prime-Phosphate Oxidase Deficiency; Pyridoxine-5'-phosphate oxidase deficiency; EPILEPTIC ENCEPHALOPATHY, NEONATAL, PNPO-RELATED; SEIZURES, PYRIDOXINE-RESISTANT, PLP-SENSITIVE. Identifiers: Orphanet 79096, MedGen C1864723, MONDO:0012407, OMIM 610090. Disease mechanism: loss of function.

Allele frequency attached by ClinVar (database versions not stated): gnomAD 0.00001 and 0.00004; gnomAD exomes 0.00001; TOPMed 0.00002.
gnomAD v4.1: 17 of 1,613,698 alleles (0.0011%); highest among the groups gnomAD compares: Admixed American, 0.005%; no homozygotes.

Submission:

Labcorp Genetics (formerly Invitae), Labcorp
Classification: Uncertain significance for Pyridoxal phosphate-responsive seizures. Last evaluated: 2022-08-16. Review status: criteria provided, single submitter. Criteria: Invitae Variant Classification Sherloc (09022015). Collection method: clinical testing. Allele origin: germline.
Comment: This sequence change replaces arginine, which is basic and polar, with tryptophan, which is neutral and slightly polar, at codon 181 of the PNPO protein (p.Arg181Trp). This variant is present in population databases (no rsID available, gnomAD 0.007%). This variant has not been reported in the literature in individuals affected with PNPO-related conditions. ClinVar contains an entry for this variant (Variation ID: 652581). Algorithms developed to predict the effect of missense changes on protein structure and function are either unavailable or do not agree on the potential impact of this missense change (SIFT: "Deleterious"; PolyPhen-2: "Probably Damaging"; Align-GVGD: "Class C0"). In summary, the available evidence is currently insufficient to determine the role of this variant in disease. Therefore, it has been classified as a Variant of Uncertain Significance.